The following is an entry in ClinVar:

NM_001267550.2(TTN):c.21299C>T (p.Thr7100Ile)

Genes: TTN (titin; minus strand), LOC126806428 (BRD4-independent group 4 enhancer GRCh37_chr2:179588362-179589561; plus strand). Cytogenetic location: 2q31.2.
Variant type: single nucleotide variant.
Coding change: c.21299C>T on transcript NM_001267550.2 (MANE Select); coding-DNA position 21299, C replaced by T.
Protein change: p.Thr7100Ile; replaces threonine 7100 with isoleucine.
Molecular consequence: missense variant. On other transcripts: intron variant (3).
Genome position (GRCh38, 1-based): chr2:178,723,960, G>A on the plus strand (C>T on the coding strand, the complement: TTN is on the minus strand). VCF-style: chr2-178723960-G-A. GRCh37 (hg19) VCF-style: chr2-179588687-G-A.
Other names: c.20348C>T, p.Thr6783Ile (NM_001256850.1); c.17567C>T, p.Thr5856Ile (NM_133378.4); c.13282+14122C>T (NM_003319.4); c.13858+14122C>T (NM_133437.4); c.13657+14122C>T (NM_133432.3); short protein forms T5856I, T6783I, T7100I.
Identifiers: ClinVar variation 3902995 (VCV003902995.1).
Genomic context (GRCh38, chr2:178,723,960, plus strand): 5'-TTAGCAGCCACGCATGTGTAATTGCCCATATCTGAGGAATCCAGAGAATTCAACTGCAAT[G>A]TGCAGACATTATCTGAAAATGTGGTTTGGTACTTTGCTCCACTGACAATCTTGGTTTTCT-3'
Protein context (NP_001254479.2, residues 7090-7110): YQTTFSDNVC[Thr7100Ile]LQLNSLDSSD

ClinVar aggregate classification (germline): Uncertain significance (1 of 4 stars; one submission).

gnomAD v4.1: 2 of 1,613,624 alleles (0.00012%); highest among the groups gnomAD compares: Non-Finnish European, 0.00017%; no homozygotes.

Submission:

GeneDx
Classification: Uncertain significance. Last evaluated: 2024-12-12. Review status: criteria provided, single submitter. Criteria: GeneDx Variant Classification Process June 2021. Collection method: clinical testing. Allele origin: germline. Affected: yes.
Comment: Not observed at significant frequency in large population cohorts (gnomAD); Missense variant in a gene in which most reported pathogenic variants are truncating/loss of function; Has not been previously published as pathogenic or benign to our knowledge